The following is an entry in ClinVar:

NM_004656.4(BAP1):c.838C>A (p.Gln280Lys)

Gene: BAP1 (BRCA1 associated deubiquitinase 1; minus strand). Cytogenetic location: 3p21.1.
Variant type: single nucleotide variant.
Coding change: c.838C>A on transcript NM_004656.4 (MANE Select); coding-DNA position 838, C replaced by A.
Protein change: p.Gln280Lys; replaces glutamine 280 with lysine.
Molecular consequence: missense variant.
Genome position (GRCh38, 1-based): chr3:52,405,858, G>T on the plus strand (C>A on the coding strand, the complement: BAP1 is on the minus strand). VCF-style: chr3-52405858-G-T. GRCh37 (hg19) VCF-style: chr3-52439874-G-T.
Other names: c.838C>A (LRG_529t1); short protein forms Q280K.
Identifiers: ClinVar variation 485268 (VCV000485268.19), dbSNP rs746045584, ClinGen allele CA2436983.

ClinVar aggregate classification (germline): Conflicting classifications of pathogenicity. Review status: criteria provided, conflicting classifications (1 of 4 stars). 5 submissions from 5 submitters: Uncertain significance (2); Likely benign (3). Last evaluated 2026-01-07.

Conditions:
Hereditary cancer-predisposing syndrome. Also called: Neoplastic Syndromes, Hereditary; Tumor predisposition; Hereditary Cancer Syndrome; Hereditary neoplastic syndrome. Identifiers: Orphanet 140162, MedGen C0027672, MeSH D009386, MONDO:0015356.
BAP1-related tumor predisposition syndrome (TPDS1). Also called: Tumor susceptibility linked to germline BAP1 mutations; BAP1 tumor predisposition syndrome; COMMON Syndrome; TUMOR PREDISPOSITION SYNDROME 1. Identifiers: Orphanet 289539, MedGen C3280492, MONDO:0013692, OMIM 614327.

Allele frequency attached by ClinVar (database versions not stated): TOPMed 0.00002; gnomAD exomes 0.00004 and 0.00008; ExAC 0.00009.
gnomAD v4.1: 23 of 1,614,130 alleles (0.0014%); highest among the groups gnomAD compares: Admixed American, 0.037%; no homozygotes.

Submissions (5):

Labcorp Genetics (formerly Invitae), Labcorp
Classification: Likely benign for BAP1-related tumor predisposition syndrome. Last evaluated: 2026-01-07. Review status: criteria provided, single submitter. Criteria: Invitae Variant Classification Sherloc (09022015). Collection method: clinical testing. Allele origin: germline.

Quest Diagnostics Nichols Institute San Juan Capistrano
Classification: Uncertain significance. Last evaluated: 2023-04-26. Review status: criteria provided, single submitter. Criteria: Quest Diagnostics criteria. Collection method: clinical testing. Allele origin: unknown.
Comment: To the best of our knowledge, the variant has not been reported in the published literature. The frequency of this variant in the general population, 0.00058 (20/34590 chromosomes in Latino/Admixed American subpopulation), is higher than would generally be expected for pathogenic variants in this gene. Analysis of this variant using bioinformatics tools for the prediction of the effect of amino acid changes on protein structure and function yielded predictions that this variant is benign. Based on the available information, we are unable to determine the clinical significance of this variant.

GeneDx
Classification: Uncertain significance. Last evaluated: 2021-07-19. Review status: criteria provided, single submitter. Criteria: GeneDx Variant Classification Process June 2021. Collection method: clinical testing. Allele origin: germline. Affected: yes.
Comment: In silico analysis, which includes protein predictors and evolutionary conservation, supports that this variant does not alter protein structure/function; Has not been previously published as pathogenic or benign to our knowledge; This variant is associated with the following publications: (PMID: 27535533)

Color Diagnostics, LLC DBA Color Health
Classification: Likely benign for Hereditary cancer-predisposing syndrome. Last evaluated: 2020-02-20. Review status: criteria provided, single submitter. Criteria: ACMG Guidelines, 2015. Collection method: clinical testing. Allele origin: germline.

Ambry Genetics
Classification: Likely benign for Hereditary cancer-predisposing syndrome. Last evaluated: 2018-06-26. Review status: criteria provided, single submitter. Criteria: Ambry Variant Classification Scheme 2023. Collection method: clinical testing. Allele origin: germline.